The following is an entry in ClinVar:

NM_000429.3(MAT1A):c.319C>G (p.Leu107Val)

Gene: MAT1A (methionine adenosyltransferase 1A; minus strand). Cytogenetic location: 10q22.3.
Variant type: single nucleotide variant.
Coding change: c.319C>G on transcript NM_000429.3 (MANE Select); coding-DNA position 319, C replaced by G.
Protein change: p.Leu107Val; replaces leucine 107 with valine.
Molecular consequence: missense variant.
Genome position (GRCh38, 1-based): chr10:80,280,766, G>C on the plus strand (C>G on the coding strand, the complement: MAT1A is on the minus strand). VCF-style: chr10-80280766-G-C. GRCh37 (hg19) VCF-style: chr10-82040522-G-C.
Other names: short protein forms L107V.
Identifiers: ClinVar variation 418289 (VCV000418289.8), dbSNP rs1064793166, ClinGen allele CA16618991.

ClinVar aggregate classification (germline): Uncertain significance. Review status: criteria provided, multiple submitters, no conflicts (2 of 4 stars). 2 submissions from 2 submitters: Uncertain significance (2). Last evaluated 2025-01-24.

Conditions:
Hepatic methionine adenosyltransferase deficiency. Also called: MAT I/III DEFICIENCY; Deficiency of methionine adenosyltransferase; Methionine adenosyltransferase deficiency; Isolated Persistent Hypermethioninemia. Identifiers: Orphanet 168598, MedGen C0268621, MeSH C564683, MONDO:0009607, OMIM 250850.

Allele frequency attached by ClinVar (database versions not stated): gnomAD exomes 0.00001.
gnomAD v4.1: 3 of 1,614,192 alleles (0.00019%); highest among the groups gnomAD compares: Admixed American, 0.005%; no homozygotes.

Submissions (2):

Labcorp Genetics (formerly Invitae), Labcorp
Classification: Uncertain significance for Hepatic methionine adenosyltransferase deficiency. Last evaluated: 2025-01-24. Review status: criteria provided, single submitter. Criteria: Invitae Variant Classification Sherloc (09022015). Collection method: clinical testing. Allele origin: germline.
Comment: This sequence change replaces leucine, which is neutral and non-polar, with valine, which is neutral and non-polar, at codon 107 of the MAT1A protein (p.Leu107Val). This variant is present in population databases (no rsID available, gnomAD 0.009%). This missense change has been observed in individual(s) with autosomal recessive hypermethioninemia (internal data). ClinVar contains an entry for this variant (Variation ID: 418289). Invitae Evidence Modeling of protein sequence and biophysical properties (such as structural, functional, and spatial information, amino acid conservation, physicochemical variation, residue mobility, and thermodynamic stability) indicates that this missense variant is not expected to disrupt MAT1A protein function with a negative predictive value of 80%. In summary, the available evidence is currently insufficient to determine the role of this variant in disease. Therefore, it has been classified as a Variant of Uncertain Significance.

GeneDx
Classification: Uncertain significance. Last evaluated: 2017-02-17. Review status: criteria provided, single submitter. Criteria: GeneDx Variant Classification (06012015). Collection method: clinical testing. Allele origin: germline. Affected: yes.
Comment: The L107V variant has not been published as a pathogenic variant, nor has it been reported as a benign variant to ourknowledge. The L107V variant is not observed in large population cohorts (Lek et al., 2016; 1000 GenomesConsortium et al., 2015; Exome Variant Server). The L107V variant is a conservative amino acid substitution, whichis not likely to impact secondary protein structure as these residues share similar properties. This substitution occursat a position that is conserved across species. In silico analysis is inconsistent in its predictions as to whether or notthe variant is damaging to the protein structure/function. In summary, based on the currently available information, itis unclear whether this variant is a pathogenic variant or a rare benign variant.